The following is an entry in ClinVar:

ClinVar aggregate classification (germline): Uncertain significance (1 of 4 stars; one submission).

Conditions:
Neurodevelopmental disorder with visual defects and brain anomalies. Identifiers: MedGen C5231404, MONDO:0032807, OMIM 618547.

Submission:

University of Washington Department of Laboratory Medicine, University of Washington
Classification: Uncertain significance for Neurodevelopmental disorder with visual defects and brain anomalies. Last evaluated: 2021-11-30. Review status: criteria provided, single submitter. Criteria: ACMG Guidelines, 2015. Collection method: clinical testing. Allele origin: de novo. Affected: yes.
Comment: In silico tools predict that the p.Leu807Ile variant is deleterious; however, these predictions have not been tested directly. Using ACMG guidelines, this variant was classified as a variant of uncertain significance (ACMG evidence codes used: PS2_moderate, PM2_supporting, PP3).

NM_000188.3(HK1):c.2419C>A (p.Leu807Ile)

Gene: HK1 (hexokinase 1; plus strand). Cytogenetic location: 10q22.1.
Variant type: single nucleotide variant.
Coding change: c.2419C>A on transcript NM_000188.3 (MANE Select); coding-DNA position 2419, C replaced by A.
Protein change: p.Leu807Ile; replaces leucine 807 with isoleucine.
Molecular consequence: missense variant.
Genome position (GRCh38, 1-based): chr10:69,398,638, C>A. VCF-style: chr10-69398638-C-A. GRCh37 (hg19) VCF-style: chr10-71158394-C-A.
Other names: c.2431C>A, p.Leu811Ile (NM_001322364.2, NM_001358263.1, NM_033497.3 and 1 more transcripts); c.2524C>A, p.Leu842Ile (NM_001322365.2); c.2335C>A, p.Leu779Ile (NM_001322366.1); c.2323C>A, p.Leu775Ile (NM_001322367.1); c.2416C>A, p.Leu806Ile (NM_033496.3); c.2383C>A, p.Leu795Ile (NM_033500.2); c.2419C>A (NM_000188.2); short protein forms L775I, L779I, L795I, L806I, L807I, L811I, L842I.
Identifiers: ClinVar variation 3777157 (VCV003777157.1).
Genomic context (GRCh38, chr10:69,398,638, plus strand): 5'-GCTCTTGTCCCCCACAGTGACCGATTAGCACTGCTCCAGGTCCGGGCTATCCTCCAGCAG[C>A]TAGGTCTGAATAGCACCTGCGATGACAGTATCCTCGTCAAGACAGTGTGCGGGGTGGTGT-3'
Protein context (NP_000179.2, residues 797-817): LLQVRAILQQ[Leu807Ile]GLNSTCDDSI